The following is an entry in ClinVar:

ClinVar aggregate classification (germline): Uncertain significance. Review status: criteria provided, multiple submitters, no conflicts (2 of 4 stars). 2 submissions from 2 submitters: Uncertain significance (2). Last evaluated 2023-12-09.

Conditions:
Inborn genetic diseases. Identifiers: MedGen C0950123, MeSH D030342.

Allele frequency attached by ClinVar (database versions not stated): gnomAD exomes 0.00010; gnomAD 0.00001; TOPMed 0.00001; ExAC 0.00008.

Submissions (2):

Ambry Genetics
Classification: Uncertain significance for Inborn genetic diseases. Last evaluated: 2023-12-09. Review status: criteria provided, single submitter. Criteria: Ambry Variant Classification Scheme 2023. Collection method: clinical testing. Allele origin: germline.

Labcorp Genetics (formerly Invitae), Labcorp
Classification: Uncertain significance. Last evaluated: 2022-05-07. Review status: criteria provided, single submitter. Criteria: Invitae Variant Classification Sherloc (09022015). Collection method: clinical testing. Allele origin: germline.
Comment: Algorithms developed to predict the effect of missense changes on protein structure and function are either unavailable or do not agree on the potential impact of this missense change (SIFT: "Deleterious"; PolyPhen-2: "Benign"; Align-GVGD: "Class C0"). ClinVar contains an entry for this variant (Variation ID: 1021898). This variant has not been reported in the literature in individuals affected with OBSL1-related conditions. This variant is present in population databases (rs765321602, gnomAD 0.06%). This sequence change replaces glutamic acid, which is acidic and polar, with lysine, which is basic and polar, at codon 967 of the OBSL1 protein (p.Glu967Lys). Algorithms developed to predict the effect of sequence changes on RNA splicing suggest that this variant may create or strengthen a splice site. In summary, the available evidence is currently insufficient to determine the role of this variant in disease. Therefore, it has been classified as a Variant of Uncertain Significance.

NM_015311.3(OBSL1):c.2899G>A (p.Glu967Lys)

Gene: OBSL1 (obscurin like cytoskeletal adaptor 1; minus strand). Cytogenetic location: 2q35.
Variant type: single nucleotide variant.
Coding change: c.2899G>A on transcript NM_015311.3 (MANE Select); coding-DNA position 2899, G replaced by A.
Protein change: p.Glu967Lys; replaces glutamic acid 967 with lysine.
Molecular consequence: missense variant.
Genome position (GRCh38, 1-based): chr2:219,562,456, C>T on the plus strand (G>A on the coding strand, the complement: OBSL1 is on the minus strand). VCF-style: chr2-219562456-C-T. GRCh37 (hg19) VCF-style: chr2-220427178-C-T.
Other names: c.2899G>A, p.Glu967Lys (NM_001173408.2, NM_001173431.2); c.2899G>A (NM_015311.2); short protein forms E967K.
Identifiers: ClinVar variation 1021898 (VCV001021898.8), dbSNP rs765321602, ClinGen allele CA2131061.
Genomic context (GRCh38, chr2:219,562,456, plus strand): 5'-CCACACCTGTGACGGTGACAGTGAAGGAGGCCGACTCATCGTCAATTTCACACAAGTACT[C>T]GCCGGAGTCCTCGAGCTGGACAGCGGGCAGCACCAGGCGGCGGACAGTGTCTTCCTTCTG-3'
Protein context (NP_056126.1, residues 957-977): LPAVQLEDSG[Glu967Lys]YLCEIDDESA